The following is an entry in ClinVar:

NR_002785.2(GNAS-AS1):n.819+1831C>T

Genes: GNAS (GNAS complex locus; plus strand), GNAS-AS1 (GNAS antisense RNA 1; minus strand). Cytogenetic location: 20q13.32.
Variant type: single nucleotide variant.
Molecular consequence: 5 prime UTR variant (on NM_001410912.1).
Genome position: GRCh38 VCF-style: chr20-58840106-G-A. GRCh37 (hg19) VCF-style: chr20-57415161-G-A.
Other names: c.-738G>A (NM_001410912.1); c.-1G>A (NM_016592.5).
Identifiers: ClinVar variation 3348393 (VCV003348393.1).

ClinVar aggregate classification (germline): Uncertain significance (0 of 4 stars; one submission).

Conditions:
GNAS-AS1-related condition.

gnomAD v4.1: 7 of 1,610,412 alleles (0.00043%); highest among the groups gnomAD compares: Non-Finnish European, 0.00059%; no homozygotes.

Submission:

PreventionGenetics, part of Exact Sciences
Classification: Uncertain significance for GNAS-AS1-related condition. Last evaluated: 2024-09-15. Review status: no assertion criteria provided. Collection method: clinical testing. Allele origin: germline.
Comment: The GNAS-AS1 n.819+1831C>T variant is predicted to interfere with splicing. This variant is referred to as c.-51621G>A (pre-coding) with an alternate transcript NM_000516. To our knowledge, this variant has not been reported in the literature. This variant is reported in 0.00091% of alleles in individuals of European (Non-Finnish) descent in gnomAD. At this time, the clinical significance of this variant is uncertain due to the absence of conclusive functional and genetic evidence.